The following is an entry in ClinVar:

NM_017617.5(NOTCH1):c.1862G>T (p.Arg621Leu)

Gene: NOTCH1 (notch receptor 1; minus strand). Cytogenetic location: 9q34.3.
Variant type: single nucleotide variant.
Coding change: c.1862G>T on transcript NM_017617.5 (MANE Select); coding-DNA position 1862, G replaced by T.
Protein change: p.Arg621Leu; replaces arginine 621 with leucine.
Molecular consequence: missense variant.
Genome position (GRCh38, 1-based): chr9:136,515,524, C>A on the plus strand (G>T on the coding strand, the complement: NOTCH1 is on the minus strand). VCF-style: chr9-136515524-C-A. GRCh37 (hg19) VCF-style: chr9-139409976-C-A.
Other names: short protein forms R621L.
Identifiers: ClinVar variation 1781529 (VCV001781529.2), dbSNP rs138504021, ClinGen allele CA375559616.

ClinVar aggregate classification (germline): Uncertain significance (1 of 4 stars; one submission).

Conditions:
Familial thoracic aortic aneurysm and aortic dissection (TAAD). Also called: Thoracic aortic aneurysms and dissections. Identifiers: Orphanet 91387, MedGen C4707243, MONDO:0019625.

gnomAD v4.1: 2 of 1,611,810 alleles (0.00012%); highest among the groups gnomAD compares: Non-Finnish European, 0.00017%; no homozygotes.

Submission:

Ambry Genetics
Classification: Uncertain significance for Familial thoracic aortic aneurysm and aortic dissection. Last evaluated: 2021-02-16. Review status: criteria provided, single submitter. Criteria: Ambry Variant Classification Scheme 2023. Collection method: clinical testing. Allele origin: germline.
Comment: The p.R621L variant (also known as c.1862G>T), located in coding exon 11 of the NOTCH1 gene, results from a G to T substitution at nucleotide position 1862. The arginine at codon 621 is replaced by leucine, an amino acid with dissimilar properties. This variant was reported in an aortopathy cohort; however, clinical details were limited (Girdauskas E et al. PLoS One, 2018 Jul;13:e0200205). This amino acid position is well conserved in available vertebrate species; however, leucine is the reference amino acid in other vertebrate species. In addition, the in silico prediction for this alteration is inconclusive. Since supporting evidence is limited at this time, the clinical significance of this alteration remains unclear.

Literature cited by the submitters: PubMed 30059548.